The following is an entry in ClinVar:

ClinVar aggregate classification (germline): Uncertain significance (1 of 4 stars; one submission).

Allele frequency attached by ClinVar (database versions not stated): gnomAD exomes below 0.00001.
gnomAD v4.1: 2 of 1,613,988 alleles (0.00012%); highest among the groups gnomAD compares: Non-Finnish European, 0.00017%; no homozygotes.

Submission:

GeneDx
Classification: Uncertain significance. Last evaluated: 2019-03-26. Review status: criteria provided, single submitter. Criteria: GeneDx Variant Classification Process June 2021. Collection method: clinical testing. Allele origin: germline. Affected: yes.
Comment: Not observed in large population cohorts (Lek et al., 2016); In silico analysis, which includes protein predictors and evolutionary conservation, supports a deleterious effect; Has not been previously published as pathogenic or benign to our knowledge

NM_030632.3(ASXL3):c.5321A>C (p.Glu1774Ala)

Gene: ASXL3 (ASXL transcriptional regulator 3; plus strand). Cytogenetic location: 18q12.1.
Variant type: single nucleotide variant.
Coding change: c.5321A>C on transcript NM_030632.3 (MANE Select); coding-DNA position 5321, A replaced by C.
Protein change: p.Glu1774Ala; replaces glutamic acid 1774 with alanine.
Molecular consequence: missense variant.
Genome position (GRCh38, 1-based): chr18:33,745,169, A>C. VCF-style: chr18-33745169-A-C. GRCh37 (hg19) VCF-style: chr18-31325133-A-C.
Other names: short protein forms E1774A.
Identifiers: ClinVar variation 1308286 (VCV001308286.2), dbSNP rs2145431727, ClinGen allele CA402193824.
Genomic context (GRCh38, chr18:33,745,169, plus strand): 5'-TACAGGGCAACCTGCCTTTGGAAAAAGTGTTGCCACAGCCCAGATTGGGAGCCAAGCTTG[A>C]AATCAACAGGCTTCCATTGCCTCTTCAAACTACCTCAGTGGGTAAAACAGCACCAGAGAG-3'
Protein context (NP_085135.1, residues 1764-1784): LPQPRLGAKL[Glu1774Ala]INRLPLPLQT